The following is an entry in ClinVar:

ClinVar aggregate classification (germline): Benign (0 of 4 stars; one submission).

Conditions:
MUC16-related disorder. Also called: MUC16-related condition.

Submission:

PreventionGenetics, part of Exact Sciences
Classification: Benign for MUC16-related condition. Last evaluated: 2019-02-18. Review status: no assertion criteria provided. Collection method: clinical testing. Allele origin: germline.
Comment: This variant is classified as benign based on ACMG/AMP sequence variant interpretation guidelines (Richards et al. 2015 PMID: 25741868, with internal and published modifications).

NM_001401501.2(MUC16):c.43433T>C (p.Leu14478Pro)

Gene: MUC16 (mucin 16, cell surface associated; minus strand). Cytogenetic location: 19p13.2.
Variant type: single nucleotide variant.
Coding change: c.43433T>C on transcript NM_001401501.2 (MANE Select); coding-DNA position 43433, T replaced by C.
Protein change: p.Leu14478Pro; replaces leucine 14478 with proline.
Molecular consequence: missense variant.
Genome position (GRCh38, 1-based): chr19:8,886,839, A>G on the plus strand (T>C on the coding strand, the complement: MUC16 is on the minus strand). VCF-style: chr19-8886839-A-G. GRCh37 (hg19) VCF-style: chr19-8997515-A-G.
Other names: c.43859T>C, p.Leu14620Pro (NM_001414686.1); c.43313T>C, p.Leu14438Pro (NM_001414687.1); c.40907T>C, p.Leu13636Pro (NM_024690.2); short protein forms L13636P, L14438P, L14478P, L14620P.
Identifiers: ClinVar variation 3055446 (VCV003055446.2), dbSNP rs1339149150, ClinGen allele CA403795518.
Genomic context (GRCh38, chr19:8,886,839, plus strand): 5'-CCAGGGTGCTGCATGTTCTCCTCATACCGCAGGTTGGTGATGGTGAAGTTGAGAGTGAAT[A>G]GCACCAGGAGAGGGCTGGCAGCTGTCGTGGAGGTGGGAAAGAAACAACATGTTCAAAAGT-3'
Protein context (NP_001388430.1, residues 14468-14488): GPSAASPLLV[Leu14478Pro]FTLNFTITNL